The following is an entry in ClinVar:

NM_001367873.1(SOX6):c.2267C>G (p.Pro756Arg)

Gene: SOX6 (SRY-box transcription factor 6; minus strand). Cytogenetic location: 11p15.2.
Variant type: single nucleotide variant.
Coding change: c.2267C>G on transcript NM_001367873.1 (MANE Select); coding-DNA position 2267, C replaced by G.
Protein change: p.Pro756Arg; replaces proline 756 with arginine.
Molecular consequence: missense variant.
Genome position (GRCh38, 1-based): chr11:15,973,029, G>C on the plus strand (C>G on the coding strand, the complement: SOX6 is on the minus strand). VCF-style: chr11-15973029-G-C. GRCh37 (hg19) VCF-style: chr11-15994575-G-C.
Other names: c.2186C>G, p.Pro729Arg (NM_001145811.2, NM_017508.3); c.2267C>G, p.Pro756Arg (NM_001145819.2); c.2144C>G, p.Pro715Arg (NM_001367872.1); c.2207C>G, p.Pro736Arg (NM_033326.3); short protein forms P715R, P729R, P736R, P756R.
Identifiers: ClinVar variation 3030154 (VCV003030154.2), dbSNP rs1326972429, ClinGen allele CA379873213.

ClinVar aggregate classification (germline): Uncertain significance (0 of 4 stars; one submission).

Conditions:
SOX6-related disorder. Also called: SOX6-related condition.

Allele frequency attached by ClinVar (database versions not stated): TOPMed 0.00001.

Submission:

PreventionGenetics, part of Exact Sciences
Classification: Uncertain significance for SOX6-related condition. Last evaluated: 2024-02-07. Review status: no assertion criteria provided. Collection method: clinical testing. Allele origin: germline.
Comment: The SOX6 c.2306C>G variant is predicted to result in the amino acid substitution p.Pro769Arg. To our knowledge, this variant has not been reported in the literature or in a large population database, indicating this variant is rare. At this time, the clinical significance of this variant is uncertain due to the absence of conclusive functional and genetic evidence.